The following is an entry in ClinVar:

ClinVar aggregate classification (germline): Conflicting classifications of pathogenicity. Review status: criteria provided, conflicting classifications (1 of 4 stars). 2 submissions from 2 submitters: Likely pathogenic (1); Uncertain significance (1). Last evaluated 2022-05-22.

Conditions:
X-linked Alport syndrome (ATS1). Also called: NEPHROPATHY AND DEAFNESS, X-LINKED; COL4A5-Related Nephropathy. Identifiers: Orphanet 63, Orphanet 88917, MedGen C4746986, MONDO:0010520, OMIM 301050.

Submissions (2):

3billion
Classification: Likely pathogenic for X-linked Alport syndrome. Last evaluated: 2022-05-22. Review status: criteria provided, single submitter. Criteria: ACMG Guidelines, 2015. Collection method: clinical testing. Allele origin: germline. Affected: yes. Observed: 1 heterozygote.
Comment: The variant is not observed in the gnomAD v2.1.1 dataset. It is located in a mutational hot spot and/or well-established functional domain in which established pathogenic variants have been reported. Missense changes are a common disease-causing mechanism. In silico tool predictions suggest damaging effect of the variant on gene or gene product (REVEL: 0.97; 3Cnet: 0.95). Different missense changes at the same codon (p.Gly183Ser, p.Gly183Val) have been reported to be associated with COL4A5 related disorder (ClinVar ID: VCV000438706 / PMID: 15954103). Therefore, this variant is classified as likely pathogenic according to the recommendation of ACMG/AMP guideline.

Department of Nephrology, Rheumatology and Immunology, Shanghai Children's Hospital
Classification: Uncertain significance for X-linked Alport syndrome. Last evaluated: 2015-12-12. Review status: criteria provided, single submitter. Criteria: ACMG Guidelines, 2015. Collection method: clinical testing. Allele origin: de novo. Affected: yes. Observed: 1 variant allele.
Comment: The NM_033380.3(COL4A5):c.548G>A (p.Gly183Asp) is a missense variant in COL4A5. This variant is reported to have an extremely low frequency in the gnomAD v3.1.2 (GRCh38) population database (PM2). While the variant is reported as a de novo occurrence, formal parental identity testing (e.g., via STR or SNP analysis) was not performed to meet the stringent criteria for PS2 or PM6 (internal data). The SIFT computational tool predicts this variant to have a deleterious effect on the protein product (PP3). In summary, this variant meets criteria to be classified as Uncertain Significance for Alport syndrome based on the ACMG/AMP 2015 criteria applied: PM2, PP3, PP4.

Literature cited by the submitters: PubMed 15954103 (cited by 3billion).

NM_033380.3(COL4A5):c.548G>A (p.Gly183Asp)

Gene: COL4A5 (collagen type IV alpha 5 chain; plus strand). Cytogenetic location: Xq22.3.
Variant type: single nucleotide variant.
Coding change: c.548G>A on transcript NM_033380.3 (MANE Select); coding-DNA position 548, G replaced by A.
Protein change: p.Gly183Asp; replaces glycine 183 with aspartic acid.
Molecular consequence: missense variant.
Genome position (GRCh38, 1-based): chrX:108,575,911, G>A. VCF-style: chrX-108575911-G-A. GRCh37 (hg19) VCF-style: chrX-107819141-G-A.
Other names: c.548G>A, p.Gly183Asp (NM_000495.5); short protein forms G183D.
Identifiers: ClinVar variation 1687242 (VCV001687242.2), dbSNP rs104886059, ClinGen allele CA413921892.
Genomic context (GRCh38, chrX:108,575,911, plus strand): 5'-TACAATAAGGGGCTTGTTTTTCTTTTTTTTCATCATTTTCTTTACTCACTTTATAACAGG[G>A]CCTACCTGGTCCCACTGGTATACCAGGGCCAATTGGTCCCCCAGGACCACCAGGTTTGAT-3'
Protein context (NP_203699.1, residues 173-193): PGYPGPPGIQ[Gly183Asp]LPGPTGIPGP